The following is an entry in ClinVar:

ClinVar aggregate classification (germline): Uncertain significance (1 of 4 stars; one submission).

Conditions:
Autosomal dominant Parkinson disease 8. Also called: LRRK2-Related Parkinson Disease; Parkinson disease 8; Parkinson disease 8, susceptibility to. Identifiers: Orphanet 411602, MedGen C1846862, MONDO:0011764, OMIM 607060.

Submission:

Labcorp Genetics (formerly Invitae), Labcorp
Classification: Uncertain significance for Autosomal dominant Parkinson disease 8. Last evaluated: 2022-04-22. Review status: criteria provided, single submitter. Criteria: Invitae Variant Classification Sherloc (09022015). Collection method: clinical testing. Allele origin: germline.
Comment: In summary, the available evidence is currently insufficient to determine the role of this variant in disease. Therefore, it has been classified as a Variant of Uncertain Significance. Algorithms developed to predict the effect of missense changes on protein structure and function are either unavailable or do not agree on the potential impact of this missense change (SIFT: "Tolerated"; PolyPhen-2: "Probably Damaging"; Align-GVGD: "Class C0"). This variant has not been reported in the literature in individuals affected with LRRK2-related conditions. This variant is not present in population databases (gnomAD no frequency). This sequence change replaces arginine, which is basic and polar, with lysine, which is basic and polar, at codon 1246 of the LRRK2 protein (p.Arg1246Lys).

NM_198578.4(LRRK2):c.3737G>A (p.Arg1246Lys)

Gene: LRRK2 (leucine rich repeat kinase 2; plus strand). Cytogenetic location: 12q12.
Variant type: single nucleotide variant.
Coding change: c.3737G>A on transcript NM_198578.4 (MANE Select); coding-DNA position 3737, G replaced by A.
Protein change: p.Arg1246Lys; replaces arginine 1246 with lysine.
Molecular consequence: missense variant.
Genome position (GRCh38, 1-based): chr12:40,304,094, G>A. VCF-style: chr12-40304094-G-A. GRCh37 (hg19) VCF-style: chr12-40697896-G-A.
Other names: short protein forms R1246K.
Identifiers: ClinVar variation 2129119 (VCV002129119.4), dbSNP rs1592258571, ClinGen allele CA384416844.
Genomic context (GRCh38, chr12:40,304,094, plus strand): 5'-TATTTAGCCATAATCAGATCAGCATCTTGGACTTGAGTGAAAAAGCATATTTATGGTCTA[G>A]AGTAGAGAAACTGCATCTTTCTCACAATAAACTGAAAGAGGTAAGACGATTATTGCCACT-3'
Protein context (NP_940980.4, residues 1236-1256): DLSEKAYLWS[Arg1246Lys]VEKLHLSHNK